The following is an entry in ClinVar:

ClinVar aggregate classification (germline): Benign. Review status: criteria provided, multiple submitters, no conflicts (2 of 4 stars). 5 submissions from 2 submitters: Benign (5). Last evaluated 2018-01-13.

Conditions:
Neurofibromatosis, familial spinal (FSNF). Identifiers: Orphanet 636, MedGen C1834235, MONDO:0008078, OMIM 162210. Disease mechanism: loss of function.
Neurofibromatosis, type 1 (NF1). Also called: VON RECKLINGHAUSEN DISEASE; NEUROFIBROMATOSIS, TYPE I, SOMATIC; Neurofibromatosis, type I; Peripheral type neurofibromatosis. Identifiers: Orphanet 636, MedGen C0027831, MONDO:0018975, OMIM 162200. Disease mechanism: loss of function.
Neurofibromatosis-Noonan syndrome (NFNS). Also called: NEUROFIBROMATOSIS WITH NOONAN PHENOTYPE. Identifiers: Orphanet 638, MedGen C2931482, MONDO:0011035, OMIM 601321. Disease mechanism: loss of function.
Café-au-lait macules with pulmonary stenosis (WTSN). Also called: PULMONIC STENOSIS WITH CAFE-AU-LAIT SPOTS. Identifiers: MedGen C0553586, MONDO:0008672, OMIM 193520.

Allele frequency attached by ClinVar (database versions not stated): gnomAD exomes 0.36329; gnomAD 0.48515 and 0.49084; TOPMed 0.50558; 1000 Genomes Project 0.55871; 1000 Genomes Project 30x 0.56761.
gnomAD v4.1: 102,673 of 232,422 alleles (44%); highest among the groups gnomAD compares: African/African-American, 86%; 28,525 homozygotes.

Submissions (5):

Illumina Laboratory Services, Illumina
Classification: Benign for Neurofibromatosis-Noonan syndrome. Last evaluated: 2018-01-13. Review status: criteria provided, single submitter. Criteria: ICSL Variant Classification Criteria 13 December 2019. Collection method: clinical testing. Allele origin: germline.
Comment: This variant was observed in the ICSL laboratory as part of a predisposition screen in an ostensibly healthy population. It had not been previously curated by ICSL or reported in the Human Gene Mutation Database (HGMD: prior to June 1st, 2018), and was therefore a candidate for classification through an automated scoring system. Utilizing variant allele frequency, disease prevalence and penetrance estimates, and inheritance mode, an automated score was calculated to assess if this variant is too frequent to cause the disease. Based on the score and internal cut-off values, a variant classified as benign is not then subjected to further curation. The score for this variant resulted in a classification of benign for this disease.

Illumina Laboratory Services, Illumina
Classification: Benign for Neurofibromatosis, familial spinal. Last evaluated: 2018-01-13. Review status: criteria provided, single submitter. Criteria: ICSL Variant Classification Criteria 13 December 2019. Collection method: clinical testing. Allele origin: germline.
Comment: the same text as in the submission from Illumina Laboratory Services, Illumina above.

Illumina Laboratory Services, Illumina
Classification: Benign for Café-au-lait macules with pulmonary stenosis. Last evaluated: 2018-01-13. Review status: criteria provided, single submitter. Criteria: ICSL Variant Classification Criteria 13 December 2019. Collection method: clinical testing. Allele origin: germline.
Comment: the same text as in the submission from Illumina Laboratory Services, Illumina above.

Illumina Laboratory Services, Illumina
Classification: Benign for Neurofibromatosis, type 1. Last evaluated: 2018-01-13. Review status: criteria provided, single submitter. Criteria: ICSL Variant Classification Criteria 13 December 2019. Collection method: clinical testing. Allele origin: germline.
Comment: the same text as in the submission from Illumina Laboratory Services, Illumina above.

Breakthrough Genomics
Classification: Benign. Review status: criteria provided, single submitter. Criteria: ACMG Guidelines, 2015. Collection method: not provided. Allele origin: germline. Inheritance: Autosomal dominant inheritance. Affected: yes.

NM_001042492.3(NF1):c.*2265C>G

Gene: NF1 (neurofibromin 1; plus strand). Cytogenetic location: 17q11.2.
Variant type: single nucleotide variant.
Coding change: c.*2265C>G on transcript NM_001042492.3 (MANE Select); 2265 bases downstream of the stop codon, C replaced by G.
Molecular consequence: 3 prime UTR variant.
Genome position (GRCh38, 1-based): chr17:31,376,420, C>G. VCF-style: chr17-31376420-C-G. GRCh37 (hg19) VCF-style: chr17-29703438-C-G.
Other names: c.*2265C>G (NM_000267.4).
Identifiers: ClinVar variation 322599 (VCV000322599.6), dbSNP rs1800845, ClinGen allele CA10639350.